The following is an entry in ClinVar:

ClinVar aggregate classification (germline): Likely benign (1 of 4 stars; one submission).

gnomAD v4.1: 2 of 1,613,860 alleles (0.00012%); highest among the groups gnomAD compares: Non-Finnish European, 0.00017%; no homozygotes.

Submission:

GeneDx
Classification: Likely benign. Last evaluated: 2016-09-19. Review status: criteria provided, single submitter. Criteria: GeneDx Variant Classification (06012015). Collection method: clinical testing. Allele origin: germline. Affected: yes.
Comment: This variant is considered likely benign or benign based on one or more of the following criteria: it is a conservative change, it occurs at a poorly conserved position in the protein, it is predicted to be benign by multiple in silico algorithms, and/or has population frequency not consistent with disease.

NM_001366178.1(ARHGAP33):c.829+5T>C

Gene: ARHGAP33 (Rho GTPase activating protein 33; plus strand). Cytogenetic location: 19q13.12.
Variant type: single nucleotide variant.
Coding change: c.829+5T>C on transcript NM_001366178.1 (MANE Select); 5 bases into the intron after coding-DNA position 829, T replaced by C.
Molecular consequence: intron variant.
Genome position (GRCh38, 1-based): chr19:35,780,821, T>C. VCF-style: chr19-35780821-T-C. GRCh37 (hg19) VCF-style: chr19-36271723-T-C.
Other names: c.829+5T>C (NM_052948.4); c.421+5T>C (NM_001172630.2).
Identifiers: ClinVar variation 389253 (VCV000389253.1), dbSNP rs780247702, ClinGen allele CA16607777.